The following is an entry in ClinVar:

ClinVar aggregate classification (germline): Pathogenic. Review status: criteria provided, multiple submitters, no conflicts (2 of 4 stars). 5 submissions from 5 submitters: Pathogenic (5). Last evaluated 2025-12-01.

Conditions:
Amyotrophic lateral sclerosis type 1 (ALS1). Also called: AMYOTROPHIC LATERAL SCLEROSIS 1, FAMILIAL. Identifiers: Orphanet 803, MedGen C1862939, MONDO:0007103, OMIM 105400.

Allele frequency attached by ClinVar (database versions not stated): gnomAD exomes below 0.00001.
gnomAD v4.1: 2 of 1,614,054 alleles (0.00012%); highest among the groups gnomAD compares: South Asian, 0.0022%; no homozygotes.

Submissions (5):

Labcorp Genetics (formerly Invitae), Labcorp
Classification: Pathogenic for Amyotrophic lateral sclerosis type 1. Last evaluated: 2025-12-01. Review status: criteria provided, single submitter. Criteria: Invitae Variant Classification Sherloc (09022015). Collection method: clinical testing. Allele origin: germline.
Comment: This sequence change replaces asparagine, which is neutral and polar, with serine, which is neutral and polar, at codon 87 of the SOD1 protein (p.Asn87Ser). This variant is not present in population databases (gnomAD no frequency). This missense change has been observed in individuals with autosomal dominant amyotrophic lateral sclerosis or autosomal recessive juvenile-onset amyotrophic lateral sclerosis (PMID: 8971099, 9556377, 20577002, 22244934, 26601740, 26622980, 27604643). This variant is also known as Asn86Ser. ClinVar contains an entry for this variant (Variation ID: 468253). Invitae Evidence Modeling of protein sequence and biophysical properties (such as structural, functional, and spatial information, amino acid conservation, physicochemical variation, residue mobility, and thermodynamic stability) indicates that this missense variant is expected to disrupt SOD1 protein function with a positive predictive value of 95%. For these reasons, this variant has been classified as Pathogenic.

Mayo Clinic Laboratories, Mayo Clinic
Classification: Pathogenic. Last evaluated: 2025-08-14. Review status: criteria provided, single submitter. Criteria: ACMG Guidelines, 2015. Collection method: clinical testing. Allele origin: germline. Observed: 1 variant allele.
Comment: PP3_moderate, PM3, PM5, PS4

Clinical Omics and Informatics (COIN) Unit, Neuroscience Institute, University Of Cape Town
Classification: Pathogenic for Amyotrophic lateral sclerosis type 1. Last evaluated: 2025-05-13. Review status: criteria provided, single submitter. Criteria: ACMG Guidelines, 2015. Collection method: research. Allele origin: germline. Inheritance: Autosomal dominant inheritance. Affected: yes. Observed: 1 variant allele, 1 heterozygote.
Comment: The highest population allele frequency in gnomAD v4.0 is 0.00002196 (0.0022%; 2/91080 alleles in the South Asian population). No homozygous observations. PM1_Supporting: Exon 4 is a well-established catalytic domain, other pathogenic missense variants reported at adjacent amino acids (PMID: 17299743, 20309572). PP3_Moderate: Revel score is 0.853. PS4_Met: Variant observed in more than 10 unrelated probands with consistent phenotype for disorder (PMID: 9556377; 20577002; 22244934; 26601740; 26622980; 27604643). PM5 Met: Different missense changes at the same codon reported to be pathogenic (p.Asn87Asp, p.Asn87Lys).

Suna and Inan Kirac Foundation Neurodegeneration Research Laboratory, Koc University
Classification: Pathogenic for Amyotrophic lateral sclerosis type 1. Last evaluated: 2020-03-31. Review status: criteria provided, single submitter. Criteria: ACMG Guidelines, 2015. Collection method: research. Allele origin: germline. Affected: yes. Observed: 3 variant alleles.

3billion
Classification: Pathogenic for Amyotrophic lateral sclerosis type 1. Review status: criteria provided, single submitter. Criteria: ACMG Guidelines, 2015. Collection method: clinical testing. Allele origin: unknown. Affected: yes. Observed: 1 heterozygote.
Comment: The variant is not observed in the gnomAD v2.1.1 dataset. The variant is located in a mutational hot spot and/or well-established functional domain in which established pathogenic variants have been reported. Missense changes are a common disease-causing mechanism. In silico tool predictions suggest damaging effect of the variant on gene or gene product (REVEL: 0.85; 3Cnet: 0.97). Same nucleotide change resulting in same amino acid change has been previously reported as pathogenic/likely pathogenic with strong evidence (ClinVar ID: VCV000468253 / PMID: 9556377). Different missense changes at the same codon (p.Asn87Asp, p.Asn87Lys) have been reported to be associated with SOD1 -related disorder (PMID: 17299743, 20309572). Therefore, this variant is classified as Pathogenic according to the recommendation of ACMG/AMP guideline.

Literature cited by the submitters: PubMed 8971099 (cited by Labcorp Genetics (formerly Invitae), Labcorp); PubMed 9556377 (cited by 4 submitters); PubMed 20577002 (cited by Labcorp Genetics (formerly Invitae), Labcorp and Clinical Omics and Informatics (COIN) Unit, Neuroscience Institute, University Of Cape Town); PubMed 22244934 (cited by Labcorp Genetics (formerly Invitae), Labcorp and Clinical Omics and Informatics (COIN) Unit, Neuroscience Institute, University Of Cape Town); PubMed 26601740 (cited by Labcorp Genetics (formerly Invitae), Labcorp and Clinical Omics and Informatics (COIN) Unit, Neuroscience Institute, University Of Cape Town); PubMed 26622980 (cited by 3 submitters); PubMed 27604643 (cited by Labcorp Genetics (formerly Invitae), Labcorp and Clinical Omics and Informatics (COIN) Unit, Neuroscience Institute, University Of Cape Town); PubMed 20189984 (cited by Mayo Clinic Laboratories, Mayo Clinic); PubMed 23280792 (cited by Mayo Clinic Laboratories, Mayo Clinic); PubMed 25681989 (cited by Mayo Clinic Laboratories, Mayo Clinic); PubMed 32671691 (cited by Mayo Clinic Laboratories, Mayo Clinic); PubMed 34404558 (cited by Mayo Clinic Laboratories, Mayo Clinic); PubMed 34996976 (cited by Mayo Clinic Laboratories, Mayo Clinic); PubMed 35047667 (cited by Mayo Clinic Laboratories, Mayo Clinic); PubMed 37952009 (cited by Mayo Clinic Laboratories, Mayo Clinic); PubMed 39351695 (cited by Mayo Clinic Laboratories, Mayo Clinic); PubMed 39502740 (cited by Mayo Clinic Laboratories, Mayo Clinic); PubMed 17299743 (cited by Clinical Omics and Informatics (COIN) Unit, Neuroscience Institute, University Of Cape Town and 3billion); PubMed 20309572 (cited by Clinical Omics and Informatics (COIN) Unit, Neuroscience Institute, University Of Cape Town and 3billion).

NM_000454.5(SOD1):c.260A>G (p.Asn87Ser)

Gene: SOD1 (superoxide dismutase 1; plus strand). Cytogenetic location: 21q22.11.
Variant type: single nucleotide variant.
Coding change: c.260A>G on transcript NM_000454.5 (MANE Select); coding-DNA position 260, A replaced by G.
Protein change: p.Asn87Ser; replaces asparagine 87 with serine.
Molecular consequence: missense variant.
Genome position (GRCh38, 1-based): chr21:31,667,278, A>G. VCF-style: chr21-31667278-A-G. GRCh37 (hg19) VCF-style: chr21-33039591-A-G.
Other names: p.Asn87Ser; short protein forms N87S.
Identifiers: ClinVar variation 468253 (VCV000468253.10), dbSNP rs11556620, ClinGen allele CA319334574.